The following is an entry in ClinVar:

ClinVar aggregate classification (germline): Uncertain significance. Review status: criteria provided, multiple submitters, no conflicts (2 of 4 stars). 2 submissions from 2 submitters: Uncertain significance (2). Last evaluated 2022-10-06.

Conditions:
Autosomal dominant nocturnal frontal lobe epilepsy 5. Also called: KCNT1-Related Epilepsy; Epilepsy, nocturnal frontal lobe, 5; CILIARY DYSKINESIA, PRIMARY, 28, WITHOUT SITUS INVERSUS; CILIARY DYSKINESIA, PRIMARY, 28, WITH SITUS INVERSUS. Identifiers: Orphanet 98784, MedGen C3554306, MONDO:0014002, OMIM 615005.
Developmental and epileptic encephalopathy, 14 (DEE14). Also called: Early infantile epileptic encephalopathy 14. Identifiers: Orphanet 293181, MedGen C3554195, MONDO:0013989, OMIM 614959.

gnomAD v4.1: 1 of 1,613,784 alleles (0.000062%); highest among the groups gnomAD compares: Non-Finnish European, 0.000085%; no homozygotes.

Submissions (2):

GeneDx
Classification: Uncertain significance. Last evaluated: 2022-10-06. Review status: criteria provided, single submitter. Criteria: GeneDx Variant Classification Process June 2021. Collection method: clinical testing. Allele origin: germline. Affected: yes.
Comment: In silico analysis supports that this missense variant has a deleterious effect on protein structure/function; Has not been previously published as pathogenic or benign to our knowledge

Labcorp Genetics (formerly Invitae), Labcorp
Classification: Uncertain significance for Autosomal dominant nocturnal frontal lobe epilepsy 5; Developmental and epileptic encephalopathy, 14. Last evaluated: 2021-12-03. Review status: criteria provided, single submitter. Criteria: Invitae Variant Classification Sherloc (09022015). Collection method: clinical testing. Allele origin: germline.
Comment: This sequence change replaces aspartic acid, which is acidic and polar, with histidine, which is basic and polar, at codon 1187 of the KCNT1 protein (p.Asp1187His). In summary, the available evidence is currently insufficient to determine the role of this variant in disease. Therefore, it has been classified as a Variant of Uncertain Significance. Advanced modeling of protein sequence and biophysical properties (such as structural, functional, and spatial information, amino acid conservation, physicochemical variation, residue mobility, and thermodynamic stability) performed at Invitae indicates that this missense variant is expected to disrupt KCNT1 protein function. This variant has not been reported in the literature in individuals affected with KCNT1-related conditions. This variant is present in population databases (rs142875411, gnomAD 0.0009%).

NM_020822.3(KCNT1):c.3559G>C (p.Asp1187His)

Gene: KCNT1 (potassium sodium-activated channel subfamily T member 1; plus strand). Cytogenetic location: 9q34.3.
Variant type: single nucleotide variant.
Coding change: c.3559G>C on transcript NM_020822.3 (MANE Select); coding-DNA position 3559, G replaced by C.
Protein change: p.Asp1187His; replaces aspartic acid 1187 with histidine.
Molecular consequence: missense variant.
Genome position (GRCh38, 1-based): chr9:135,791,853, G>C. VCF-style: chr9-135791853-G-C. GRCh37 (hg19) VCF-style: chr9-138683699-G-C.
Other names: c.3559G>C (NM_020822.2); c.3487G>C, p.Asp1163His (NM_001272003.2); short protein forms D1163H, D1187H.
Identifiers: ClinVar variation 1472925 (VCV001472925.9), dbSNP rs142875411, ClinGen allele CA5327948.